The following is an entry in ClinVar:

NM_001042492.3(NF1):c.8394C>G (p.Asn2798Lys)

Gene: NF1 (neurofibromin 1; plus strand). Cytogenetic location: 17q11.2.
Variant type: single nucleotide variant.
Coding change: c.8394C>G on transcript NM_001042492.3 (MANE Select); coding-DNA position 8394, C replaced by G.
Protein change: p.Asn2798Lys; replaces asparagine 2798 with lysine.
Molecular consequence: missense variant.
Genome position (GRCh38, 1-based): chr17:31,374,029, C>G. VCF-style: chr17-31374029-C-G. GRCh37 (hg19) VCF-style: chr17-29701047-C-G.
Other names: c.8331C>G, p.Asn2777Lys (NM_000267.4); short protein forms N2777K, N2798K.
Identifiers: ClinVar variation 1493440 (VCV001493440.8), dbSNP rs376136174, ClinGen allele CA399205885.

ClinVar aggregate classification (germline): Uncertain significance (1 of 4 stars; one submission).

Conditions:
Neurofibromatosis, type 1 (NF1). Also called: NEUROFIBROMATOSIS, TYPE I, SOMATIC; Neurofibromatosis, type I; VON RECKLINGHAUSEN DISEASE; Peripheral type neurofibromatosis. Identifiers: Orphanet 636, MedGen C0027831, MONDO:0018975, OMIM 162200. Disease mechanism: loss of function.

Submission:

Labcorp Genetics (formerly Invitae), Labcorp
Classification: Uncertain significance for Neurofibromatosis, type 1. Last evaluated: 2020-12-27. Review status: criteria provided, single submitter. Criteria: Invitae Variant Classification Sherloc (09022015). Collection method: clinical testing. Allele origin: germline.
Comment: In summary, the available evidence is currently insufficient to determine the role of this variant in disease. Therefore, it has been classified as a Variant of Uncertain Significance. Advanced modeling of protein sequence and biophysical properties (such as structural, functional, and spatial information, amino acid conservation, physicochemical variation, residue mobility, and thermodynamic stability) performed at Invitae indicates that this missense variant is not expected to disrupt NF1 protein function. This variant has not been reported in the literature in individuals with NF1-related conditions. This variant is not present in population databases (ExAC no frequency). This sequence change replaces asparagine with lysine at codon 2777 of the NF1 protein (p.Asn2777Lys). The asparagine residue is moderately conserved and there is a moderate physicochemical difference between asparagine and lysine.